The following is an entry in ClinVar:

NM_001105206.3(LAMA4):c.2906A>G (p.Asp969Gly)

Genes: LAMA4 (laminin subunit alpha 4; minus strand), LOC126859766 (MED14-independent group 3 enhancer GRCh37_chr6:112462018-112463217; plus strand). Cytogenetic location: 6q21.
Variant type: single nucleotide variant.
Coding change: c.2906A>G on transcript NM_001105206.3 (MANE Select); coding-DNA position 2906, A replaced by G.
Protein change: p.Asp969Gly; replaces aspartic acid 969 with glycine.
Molecular consequence: missense variant.
Genome position (GRCh38, 1-based): chr6:112,140,830, T>C on the plus strand (A>G on the coding strand, the complement: LAMA4 is on the minus strand). VCF-style: chr6-112140830-T-C. GRCh37 (hg19) VCF-style: chr6-112462032-T-C.
Other names: c.2885A>G, p.Asp962Gly (NM_001105207.3, NM_002290.5); short protein forms D962G, D969G.
Identifiers: ClinVar variation 1397936 (VCV001397936.13), dbSNP rs1554332964, ClinGen allele CA365379720.
Genomic context (GRCh38, chr6:112,140,830, plus strand): 5'-GAAGGCACTCCACCAACATAAAACACTGTGTCCTCAGGGTCCAGGTCCAGCAGAGAGTCA[T>C]CTCCCGAAAATTCCCCCTTTTTAATGAACTTTTCCTCTGCTGTGCTACTTAGACTCGGGA-3'
Protein context (NP_001098676.2, residues 959-979): KFIKKGEFSG[Asp969Gly]DSLLDLDPED

ClinVar aggregate classification (germline): Uncertain significance. Review status: criteria provided, multiple submitters, no conflicts (2 of 4 stars). 3 submissions from 3 submitters: Uncertain significance (3). Last evaluated 2025-10-05.

Conditions:
Cardiovascular phenotype. Identifiers: MedGen CN230736.
Dilated cardiomyopathy 1JJ (CMD1JJ). Identifiers: Orphanet 154, MedGen C3808935, MONDO:0014095, OMIM 615235.

Allele frequency attached by ClinVar (database versions not stated): gnomAD exomes below 0.00001; gnomAD 0.00002; TOPMed 0.00004.
gnomAD v4.1: 7 of 1,613,904 alleles (0.00043%); highest among the groups gnomAD compares: Admixed American, 0.005%; no homozygotes.

Submissions (3):

Ambry Genetics
Classification: Uncertain significance for Cardiovascular phenotype. Last evaluated: 2025-10-05. Review status: criteria provided, single submitter. Criteria: Ambry Variant Classification Scheme 2023. Collection method: clinical testing. Allele origin: germline.
Comment: The p.D962G variant (also known as c.2885A>G), located in coding exon 21 of the LAMA4 gene, results from an A to G substitution at nucleotide position 2885. The aspartic acid at codon 962 is replaced by glycine, an amino acid with similar properties. This amino acid position is not well conserved in available vertebrate species. In addition, this alteration is predicted to be tolerated by in silico analysis. Since supporting evidence is limited at this time, the clinical significance of this alteration remains unclear.

Fulgent Genetics
Classification: Uncertain significance for Dilated cardiomyopathy 1JJ. Last evaluated: 2021-10-04. Review status: criteria provided, single submitter. Criteria: ACMG Guidelines, 2015. Collection method: clinical testing. Allele origin: unknown.

Labcorp Genetics (formerly Invitae), Labcorp
Classification: Uncertain significance for Dilated cardiomyopathy 1JJ. Last evaluated: 2021-02-23. Review status: criteria provided, single submitter. Criteria: Invitae Variant Classification Sherloc (09022015). Collection method: clinical testing. Allele origin: germline.
Comment: This sequence change replaces aspartic acid with glycine at codon 962 of the LAMA4 protein (p.Asp962Gly). The aspartic acid residue is moderately conserved and there is a moderate physicochemical difference between aspartic acid and glycine. This variant is not present in population databases (ExAC no frequency). This variant has not been reported in the literature in individuals with LAMA4-related conditions. Algorithms developed to predict the effect of missense changes on protein structure and function (SIFT, PolyPhen-2, Align-GVGD) all suggest that this variant is likely to be tolerated, but these predictions have not been confirmed by published functional studies and their clinical significance is uncertain. Algorithms developed to predict the effect of sequence changes on RNA splicing suggest that this variant may create or strengthen a splice site, but this prediction has not been confirmed by published transcriptional studies. In summary, the available evidence is currently insufficient to determine the role of this variant in disease. Therefore, it has been classified as a Variant of Uncertain Significance.